The following is an entry in ClinVar:

NM_001497.4(B4GALT1):c.513C>G (p.Asp171Glu)

Gene: B4GALT1 (beta-1,4-galactosyltransferase 1; minus strand). Cytogenetic location: 9p21.1.
Variant type: single nucleotide variant.
Coding change: c.513C>G on transcript NM_001497.4 (MANE Select); coding-DNA position 513, C replaced by G.
Protein change: p.Asp171Glu; replaces aspartic acid 171 with glutamic acid.
Molecular consequence: missense variant.
Genome position (GRCh38, 1-based): chr9:33,135,324, G>C on the plus strand (C>G on the coding strand, the complement: B4GALT1 is on the minus strand). VCF-style: chr9-33135324-G-C. GRCh37 (hg19) VCF-style: chr9-33135322-G-C.
Other names: c.474C>G, p.Asp158Glu (NM_001378495.1); c.513C>G, p.Asp171Glu (NM_001378496.1, NM_001378497.1); short protein forms D158E, D171E.
Identifiers: ClinVar variation 2591492 (VCV002591492.3), dbSNP rs146996656, ClinGen allele CA5023754.

ClinVar aggregate classification (germline): Uncertain significance. Review status: criteria provided, multiple submitters, no conflicts (2 of 4 stars). 2 submissions from 2 submitters: Uncertain significance (2). Last evaluated 2024-03-27.

Conditions:
Inborn genetic diseases. Identifiers: MedGen C0950123, MeSH D030342.

Allele frequency attached by ClinVar (database versions not stated): gnomAD 0.00005; ExAC 0.00015; 1000 Genomes Project 0.00040; 1000 Genomes Project 30x 0.00047.
gnomAD v4.1: 99 of 1,614,224 alleles (0.0061%); highest among the groups gnomAD compares: South Asian, 0.092%; no homozygotes.

Submissions (2):

GeneDx
Classification: Uncertain significance. Last evaluated: 2024-03-27. Review status: criteria provided, single submitter. Criteria: GeneDx Variant Classification Process June 2021. Collection method: clinical testing. Allele origin: germline. Affected: yes.
Comment: In silico analysis supports that this missense variant has a deleterious effect on protein structure/function; Has not been previously published as pathogenic or benign to our knowledge

Ambry Genetics
Classification: Uncertain significance for Inborn genetic diseases. Last evaluated: 2023-06-16. Review status: criteria provided, single submitter. Criteria: Ambry Variant Classification Scheme 2023. Collection method: clinical testing. Allele origin: germline.